The following is an entry in ClinVar:

NM_206933.4(USH2A):c.10508G>A (p.Ser3503Asn)

Gene: USH2A (usherin; minus strand). Cytogenetic location: 1q41.
Variant type: single nucleotide variant.
Coding change: c.10508G>A on transcript NM_206933.4 (MANE Select); coding-DNA position 10508, G replaced by A.
Protein change: p.Ser3503Asn; replaces serine 3503 with asparagine.
Molecular consequence: missense variant.
Genome position (GRCh38, 1-based): chr1:215,782,815, C>T on the plus strand (G>A on the coding strand, the complement: USH2A is on the minus strand). VCF-style: chr1-215782815-C-T. GRCh37 (hg19) VCF-style: chr1-215956157-C-T.
Other names: short protein forms S3503N.
Identifiers: ClinVar variation 1721124 (VCV001721124.5), dbSNP rs773278728, ClinGen allele CA37437923.
Genomic context (GRCh38, chr1:215,782,815, plus strand): 5'-TTTCTCCAGTTTAAGACAATTGTATCTTCAAGATTGTCTATTTTGGTCCACGTAGGGGGA[C>T]TCACTCCTTGAGGCACATCTTCTTTTGTTCTGGCTCTCACAGCTTTGCTGAGTCCTCGCC-3'
Protein context (NP_996816.3, residues 3493-3513): RTKEDVPQGV[Ser3503Asn]PPTWTKIDNL

ClinVar aggregate classification (germline): Uncertain significance (1 of 4 stars; one submission).

gnomAD v4.1: 8 of 1,613,974 alleles (0.0005%); highest among the groups gnomAD compares: Non-Finnish European, 0.00068%; no homozygotes.

Submission:

Labcorp Genetics (formerly Invitae), Labcorp
Classification: Uncertain significance. Last evaluated: 2022-10-07. Review status: criteria provided, single submitter. Criteria: Invitae Variant Classification Sherloc (09022015). Collection method: clinical testing. Allele origin: germline.
Comment: This sequence change replaces serine, which is neutral and polar, with asparagine, which is neutral and polar, at codon 3503 of the USH2A protein (p.Ser3503Asn). This variant is not present in population databases (gnomAD no frequency). This variant has not been reported in the literature in individuals affected with USH2A-related conditions. Advanced modeling of protein sequence and biophysical properties (such as structural, functional, and spatial information, amino acid conservation, physicochemical variation, residue mobility, and thermodynamic stability) performed at Invitae indicates that this missense variant is not expected to disrupt USH2A protein function. Algorithms developed to predict the effect of sequence changes on RNA splicing suggest that this variant may disrupt the consensus splice site. In summary, the available evidence is currently insufficient to determine the role of this variant in disease. Therefore, it has been classified as a Variant of Uncertain Significance.